The following is an entry in ClinVar:

ClinVar aggregate classification (germline): Uncertain significance (1 of 4 stars; one submission).

Allele frequency attached by ClinVar (database versions not stated): gnomAD exomes 0.00001 and 0.00003; gnomAD 0.00003; ExAC 0.00004.
gnomAD v4.1: 24 of 1,613,700 alleles (0.0015%); highest among the groups gnomAD compares: African/African-American, 0.008%; no homozygotes.

Submission:

Labcorp Genetics (formerly Invitae), Labcorp
Classification: Uncertain significance. Last evaluated: 2023-08-24. Review status: criteria provided, single submitter. Criteria: Invitae Variant Classification Sherloc (09022015). Collection method: clinical testing. Allele origin: germline.
Comment: This variant has not been reported in the literature in individuals affected with UNC45A-related conditions. ClinVar contains an entry for this variant (Variation ID: 1473512). In summary, the available evidence is currently insufficient to determine the role of this variant in disease. Therefore, it has been classified as a Variant of Uncertain Significance. The frequency data for this variant in the population databases is considered unreliable, as metrics indicate poor data quality at this position in the gnomAD database. This sequence change creates a premature translational stop signal (p.Arg819*) in the UNC45A gene. It is expected to result in an absent or disrupted protein product. However, the current clinical and genetic evidence is not sufficient to establish whether loss-of-function variants in UNC45A cause disease.

NM_018671.5(UNC45A):c.2455C>T (p.Arg819Ter)

Genes: RCCD1-AS1 (RCCD1 and UNC45A antisense RNA 1; minus strand), UNC45A (unc-45 myosin chaperone A; plus strand). Cytogenetic location: 15q26.1.
Variant type: single nucleotide variant.
Coding change: c.2455C>T on transcript NM_018671.5 (MANE Select); coding-DNA position 2455, C replaced by T.
Protein change: p.Arg819Ter; replaces arginine 819 with a stop codon.
Molecular consequence: nonsense. On other transcripts: non-coding transcript variant (1).
Genome position (GRCh38, 1-based): chr15:90,953,188, C>T. VCF-style: chr15-90953188-C-T. GRCh37 (hg19) VCF-style: chr15-91496418-C-T.
Other names: c.2410C>T, p.Arg804Ter (NM_001039675.2, NM_001323621.2); c.2455C>T, p.Arg819Ter (NM_001323619.1); c.2020C>T, p.Arg674Ter (NM_001323620.2); short protein forms R804*, R674*, R819*.
Identifiers: ClinVar variation 1473512 (VCV001473512.4), dbSNP rs750602738, ClinGen allele CA7743314.
Genomic context (GRCh38, chr15:90,953,188, plus strand): 5'-TGGTCCACTCCTCACATCTGGCCACAGGTGCAGGACCTCTTCGAAGCCCAGGGCAATGAC[C>T]GACTGAAGCTGCTGGTGCTGTACAGTGGAGAGGATGATGAGCTGCTACAGCGGGCAGCTG-3'